The following is an entry in ClinVar:

NM_012245.3(SNW1):c.308G>C (p.Arg103Pro)

Gene: SNW1 (SNW domain containing 1; minus strand). Cytogenetic location: 14q24.3.
Variant type: single nucleotide variant.
Coding change: c.308G>C on transcript NM_012245.3 (MANE Select); coding-DNA position 308, G replaced by C.
Protein change: p.Arg103Pro; replaces arginine 103 with proline.
Molecular consequence: missense variant.
Genome position (GRCh38, 1-based): chr14:77,751,341, C>G on the plus strand (G>C on the coding strand, the complement: SNW1 is on the minus strand). VCF-style: chr14-77751341-C-G. GRCh37 (hg19) VCF-style: chr14-78217684-C-G.
Other names: c.308G>C, p.Arg103Pro (NM_001318844.2); short protein forms R103P.
Identifiers: ClinVar variation 4527026 (VCV004527026.1).
Genomic context (GRCh38, chr14:77,751,341, plus strand): 5'-AAAATATTTATCATTCAGGGAAAACATGAGAGGATTACCTTGTCTTTTGACTGTCCTTGT[C>G]GAGCAATTGCATCATATTTAATTTTTCCTTCAGAATCCACCTGAATGGCCAGCGCATTCG-3'
Protein context (NP_036377.1, residues 93-113): EGKIKYDAIA[Arg103Pro]QGQSKDKVIY

ClinVar aggregate classification (germline): Uncertain significance (1 of 4 stars; one submission).

Submission:

GeneDx
Classification: Uncertain significance. Last evaluated: 2023-12-14. Review status: criteria provided, single submitter. Criteria: GeneDx Variant Classification Process June 2021. Collection method: clinical testing. Allele origin: germline. Affected: yes.
Comment: Not observed at significant frequency in large population cohorts (gnomAD); In silico analysis supports that this missense variant has a deleterious effect on protein structure/function; Has not been previously published as pathogenic or benign to our knowledge; Variants in candidate genes are classified as variants of uncertain significance in accordance with ACMG guidelines (PMID: 25741868)